The following is an entry in ClinVar:

NM_014476.6(PDLIM3):c.397A>G (p.Ser133Gly)

Genes: PDLIM3 (PDZ and LIM domain 3; minus strand), LOC126807246 (BRD4-independent group 4 enhancer GRCh37_chr4:186434842-186436041; plus strand). Cytogenetic location: 4q35.1.
Variant type: single nucleotide variant.
Coding change: c.397A>G on transcript NM_014476.6 (MANE Select); coding-DNA position 397, A replaced by G.
Protein change: p.Ser133Gly; replaces serine 133 with glycine.
Molecular consequence: missense variant. On other transcripts: intron variant (1).
Genome position (GRCh38, 1-based): chr4:185,514,271, T>C on the plus strand (A>G on the coding strand, the complement: PDLIM3 is on the minus strand). VCF-style: chr4-185514271-T-C. GRCh37 (hg19) VCF-style: chr4-186435425-T-C.
Other names: c.397A>G, p.Ser133Gly (NM_001257962.2); c.160A>G, p.Ser54Gly (NM_001257963.2); c.518+432A>G (NM_001114107.5); short protein forms S133G, S54G.
Identifiers: ClinVar variation 5026466 (VCV005026466.1).
Genomic context (GRCh38, chr4:185,514,271, plus strand): 5'-TAGTAAGAACTGATTTAAGAAGCATGCACTGCAAACTCCACAGTCTCAGCGCTTATGACC[T>C]GCTTCGGCCCGGGATCACGAAAGGTTTGGGCCGAATATTATGCTTGTGTTCAAAGTAGTT-3'
Protein context (NP_055291.2, residues 123-143): PKPFVIPGRS[Ser133Gly]GCSTPSGIDC

ClinVar aggregate classification (germline): Uncertain significance (1 of 4 stars; one submission).

gnomAD v4.1: 6 of 1,614,244 alleles (0.00037%); highest among the groups gnomAD compares: Non-Finnish European, 0.00051%; no homozygotes.

Submission:

Ambry Genetics
Classification: Uncertain significance. Last evaluated: 2026-08-10. Review status: criteria provided, single submitter. Criteria: Ambry Variant Classification Scheme 2023. Collection method: clinical testing. Allele origin: germline.
Comment: The p.S133G variant (also known as c.397A>G), located in coding exon 4 of the PDLIM3 gene, results from an A to G substitution at nucleotide position 397. The serine at codon 133 is replaced by glycine, an amino acid with similar properties. This amino acid position is conserved. In addition, this alteration is predicted to be tolerated by in silico analysis. Based on the available evidence, the clinical significance of this variant remains unclear.